The following is an entry in ClinVar:

NM_001135146.2(SLC39A8):c.197C>T (p.Pro66Leu)

Gene: SLC39A8 (solute carrier family 39 member 8; minus strand). Cytogenetic location: 4q24.
Variant type: single nucleotide variant.
Coding change: c.197C>T on transcript NM_001135146.2 (MANE Select); coding-DNA position 197, C replaced by T.
Protein change: p.Pro66Leu; replaces proline 66 with leucine.
Molecular consequence: missense variant.
Genome position (GRCh38, 1-based): chr4:102,344,466, G>A on the plus strand (C>T on the coding strand, the complement: SLC39A8 is on the minus strand). VCF-style: chr4-102344466-G-A. GRCh37 (hg19) VCF-style: chr4-103265623-G-A.
Other names: c.197C>T, p.Pro66Leu (NM_001135147.1, NM_022154.5); short protein forms P66L.
Identifiers: ClinVar variation 4705899 (VCV004705899.1).

ClinVar aggregate classification (germline): Uncertain significance (1 of 4 stars; one submission).

gnomAD v4.1: 8 of 1,544,308 alleles (0.00052%); highest among the groups gnomAD compares: African/African-American, 0.0069%; no homozygotes.

Submission:

Labcorp Genetics (formerly Invitae), Labcorp
Classification: Uncertain significance. Last evaluated: 2025-04-17. Review status: criteria provided, single submitter. Criteria: Invitae Variant Classification Sherloc (09022015). Collection method: clinical testing. Allele origin: germline.
Comment: This sequence change replaces proline, which is neutral and non-polar, with leucine, which is neutral and non-polar, at codon 66 of the SLC39A8 protein (p.Pro66Leu). This variant is present in population databases (no rsID available, gnomAD 0.1%). This variant has not been reported in the literature in individuals affected with SLC39A8-related conditions. Invitae Evidence Modeling of protein sequence and biophysical properties (such as structural, functional, and spatial information, amino acid conservation, physicochemical variation, residue mobility, and thermodynamic stability) indicates that this missense variant is not expected to disrupt SLC39A8 protein function with a negative predictive value of 80%. In summary, the available evidence is currently insufficient to determine the role of this variant in disease. Therefore, it has been classified as a Variant of Uncertain Significance.